The following is an entry in ClinVar:

NM_020297.4(ABCC9):c.231C>T (p.Phe77=)

Gene: ABCC9 (ATP binding cassette subfamily C member 9; minus strand). Cytogenetic location: 12p12.1.
Variant type: single nucleotide variant.
Coding change: c.231C>T on transcript NM_020297.4 (MANE Select); coding-DNA position 231, C replaced by T.
Protein change: p.Phe77=; no amino-acid change (phenylalanine 77 retained).
Molecular consequence: synonymous variant. On other transcripts: 5 prime UTR variant (1).
Genome position (GRCh38, 1-based): chr12:21,933,835, G>A on the plus strand (C>T on the coding strand, the complement: ABCC9 is on the minus strand). VCF-style: chr12-21933835-G-A. GRCh37 (hg19) VCF-style: chr12-22086769-G-A.
Other names: c.231C>T, p.Phe77= (NM_001377273.1, NM_005691.4); c.-224C>T (NM_001377274.1).
Identifiers: ClinVar variation 382183 (VCV000382183.1), dbSNP rs767694387, ClinGen allele CA6481925.

ClinVar aggregate classification (germline): Likely benign (1 of 4 stars; one submission).

Allele frequency attached by ClinVar (database versions not stated): ExAC 0.00001; TOPMed 0.00002 and 0.00001; gnomAD exomes 0.00001.
gnomAD v4.1: 8 of 1,613,634 alleles (0.0005%); highest among the groups gnomAD compares: Admixed American, 0.0017%; no homozygotes.

Submission:

GeneDx
Classification: Likely benign. Last evaluated: 2015-12-09. Review status: criteria provided, single submitter. Criteria: GeneDx Variant Classification (06012015). Collection method: clinical testing. Allele origin: germline. Affected: yes.
Comment: This variant is considered likely benign or benign based on one or more of the following criteria: it is a conservative change, it occurs at a poorly conserved position in the protein, it is predicted to be benign by multiple in silico algorithms, and/or has population frequency not consistent with disease.